The following is an entry in ClinVar:

ClinVar aggregate classification (germline): Benign. Review status: criteria provided, multiple submitters, no conflicts (2 of 4 stars). 2 submissions from 2 submitters: Benign (2). Last evaluated 2018-06-14.

Allele frequency attached by ClinVar (database versions not stated): 1000 Genomes Project 0.26657; gnomAD 0.26940; 1000 Genomes Project 30x 0.27452; TOPMed 0.28447.
gnomAD v4.1: 107,439 of 512,062 alleles (21%); highest among the groups gnomAD compares: African/African-American, 54%; 14,671 homozygotes.

Submissions (2):

GeneDx
Classification: Benign. Last evaluated: 2018-06-14. Review status: criteria provided, single submitter. Criteria: GeneDx Variant Classification (06012015). Collection method: clinical testing. Allele origin: germline. Affected: yes.
Comment: This variant is considered likely benign or benign based on one or more of the following criteria: it is a conservative change, it occurs at a poorly conserved position in the protein, it is predicted to be benign by multiple in silico algorithms, and/or has population frequency not consistent with disease.

Breakthrough Genomics
Classification: Benign. Review status: criteria provided, single submitter. Criteria: ACMG Guidelines, 2015. Collection method: not provided. Allele origin: germline. Inheritance: Autosomal recessive inheritance. Affected: yes.

NM_177550.5(SLC13A5):c.1576-226A>G

Gene: SLC13A5 (solute carrier family 13 member 5; minus strand). Cytogenetic location: 17p13.1.
Variant type: single nucleotide variant.
Coding change: c.1576-226A>G on transcript NM_177550.5 (MANE Select); 226 bases into the intron before coding-DNA position 1576, A replaced by G.
Molecular consequence: intron variant.
Genome position (GRCh38, 1-based): chr17:6,686,564, T>C on the plus strand (A>G on the coding strand, the complement: SLC13A5 is on the minus strand). VCF-style: chr17-6686564-T-C. GRCh37 (hg19) VCF-style: chr17-6589883-T-C.
Other names: c.1447-226A>G (NM_001284510.2); c.1525-226A>G (NM_001284509.2); c.1438-226A>G (NM_001143838.3).
Identifiers: ClinVar variation 670105 (VCV000670105.2), dbSNP rs218690, ClinGen allele CA14370071.